The following is an entry in ClinVar:

ClinVar aggregate classification (germline): Uncertain significance (1 of 4 stars; one submission).

Submission:

Labcorp Genetics (formerly Invitae), Labcorp
Classification: Uncertain significance. Last evaluated: 2021-10-22. Review status: criteria provided, single submitter. Criteria: Invitae Variant Classification Sherloc (09022015). Collection method: clinical testing. Allele origin: germline.
Comment: In summary, the available evidence is currently insufficient to determine the role of this variant in disease. Therefore, it has been classified as a Variant of Uncertain Significance. Algorithms developed to predict the effect of sequence changes on RNA splicing suggest that this variant may create or strengthen a splice site. This variant, c.555_578dup, results in the insertion of 8 amino acid(s) to the ROM1 protein (p.Arg186_Arg193dup), but otherwise preserves the integrity of the reading frame. This variant is not present in population databases (ExAC no frequency). This variant has not been reported in the literature in individuals affected with ROM1-related conditions. Experimental studies and prediction algorithms are not available or were not evaluated, and the functional significance of this variant is currently unknown.

NM_000327.4(ROM1):c.555_578dup (p.Arg186_Arg193dup)

Gene: ROM1 (retinal outer segment membrane protein 1; plus strand). Cytogenetic location: 11q12.3.
Variant type: Duplication.
Coding change: c.555_578dup on transcript NM_000327.4 (MANE Select); coding-DNA positions 555 to 578, 24 bases duplicated (CCGTTACCTGGATCCCGGTGACCG).
Protein change: p.Arg186_Arg193dup.
Molecular consequence: inframe insertion.
Genome position (GRCh38, 1-based): chr11:62,613,836-62,613,859, CCGTTACCTGGATCCCGGTGACCG duplicated; duplicating any 24 consecutive bases within chr11:62,613,835-62,613,859 gives the same sequence; the c. name uses the placement nearest the transcript's 3' end. VCF-style (leftmost placement, unchanged base first): chr11-62613834-A-AGCCGTTACCTGGATCCCGGTGACC. GRCh37 (hg19) VCF-style: chr11-62381306-A-AGCCGTTACCTGGATCCCGGTGACC.
Identifiers: ClinVar variation 1360375 (VCV001360375.6), dbSNP rs1387511738, ClinGen allele CA599548334.